The following is an entry in ClinVar:

ClinVar aggregate classification (germline): Uncertain significance. Review status: criteria provided, single submitter (1 of 4 stars). 2 submissions from 2 submitters: Uncertain significance (1). 1 of the submissions does not count toward it. Last evaluated 2025-10-07.

Conditions:
Polycystic kidney disease. Also called: Polycystic kidney dysplasia; Kidney, Polycystic. Identifiers: MedGen C0022680, MeSH D007690, MONDO:0020642, HP:0000113.

Allele frequency attached by ClinVar (database versions not stated): gnomAD exomes 0.00001; gnomAD 0.00001; TOPMed 0.00001.
gnomAD v4.1: 20 of 1,594,034 alleles (0.0013%); highest among the groups gnomAD compares: Non-Finnish European, 0.0016%; no homozygotes.

Submissions (2):

GeneDx
Classification: Uncertain significance. Last evaluated: 2025-10-07. Review status: criteria provided, single submitter. Criteria: GeneDx Variant Classification Process June 2021. Collection method: clinical testing. Allele origin: germline.
Comment: Not observed at significant frequency in large population cohorts (gnomAD); In silico analysis suggests that this missense variant does not alter protein structure/function; Has not been previously published as pathogenic or benign to our knowledge

Department of Pathology and Laboratory Medicine, Sinai Health System
Classification: Uncertain significance for Polycystic Kidney disease. Review status: no assertion criteria provided. Collection method: clinical testing. Allele origin: unknown. Affected: yes. Study: The Canadian Open Genetics Repository (COGR). Not counted in ClinVar's aggregate classification.
Comment: The PKD1 p.Asp833Gly variant was not identified in the literature nor was it identified in the dbSNP, ClinVar, LOVD 3.0, or PKD1-LOVD databases. The variant was identified in ADPKD Mutation Database (as likely neutral). The variant was not identified in the following control databases: the Exome Aggregation Consortium (August 8th 2016), or the Genome Aggregation Database (Feb 27, 2017). The p.Asp833Gly residue is not conserved in mammals and four out of five computational analyses (PolyPhen-2, SIFT, AlignGVGD, BLOSUM, MutationTaster) do not suggest a high likelihood of impact to the protein; however, this information is not predictive enough to rule out pathogenicity. The variant occurs outside of the splicing consensus sequence and in silico or computational prediction software programs (SpliceSiteFinder, MaxEntScan, NNSPLICE, GeneSplicer) do not predict a difference in splicing. In summary, based on the above information the clinical significance of this variant cannot be determined with certainty at this time. This variant is classified as a variant of uncertain significance.

NM_001009944.3(PKD1):c.2498A>G (p.Asp833Gly)

Gene: PKD1 (polycystin 1, transient receptor potential channel interacting; minus strand). Cytogenetic location: 16p13.3.
Variant type: single nucleotide variant.
Coding change: c.2498A>G on transcript NM_001009944.3 (MANE Select); coding-DNA position 2498, A replaced by G.
Protein change: p.Asp833Gly; replaces aspartic acid 833 with glycine.
Molecular consequence: missense variant.
Genome position (GRCh38, 1-based): chr16:2,114,525, T>C on the plus strand (A>G on the coding strand, the complement: PKD1 is on the minus strand). VCF-style: chr16-2114525-T-C. GRCh37 (hg19) VCF-style: chr16-2164526-T-C.
Other names: c.2498A>G, p.Asp833Gly (NM_000296.4); c.2498A>G (NM_001009944.2); short protein forms D833G.
Identifiers: ClinVar variation 997293 (VCV000997293.3), dbSNP rs1354266181, ClinGen allele CA394387687.